The following is an entry in ClinVar:

ClinVar aggregate classification (germline): Uncertain significance (1 of 4 stars; one submission).

Conditions:
Familial thoracic aortic aneurysm and aortic dissection (TAAD). Also called: Thoracic aortic aneurysms and dissections. Identifiers: Orphanet 91387, MedGen C4707243, MONDO:0019625.

Allele frequency attached by ClinVar (database versions not stated): gnomAD 0.00001; TOPMed 0.00001.
gnomAD v4.1: 13 of 1,613,498 alleles (0.00081%); highest among the groups gnomAD compares: East Asian, 0.0022%; no homozygotes.

Submission:

Ambry Genetics
Classification: Uncertain significance for Familial thoracic aortic aneurysm and aortic dissection. Last evaluated: 2025-11-15. Review status: criteria provided, single submitter. Criteria: Ambry Variant Classification Scheme 2023. Collection method: clinical testing. Allele origin: germline.
Comment: The p.M2056T variant (also known as c.6167T>C), located in coding exon 33 of the NOTCH1 gene, results from a T to C substitution at nucleotide position 6167. The methionine at codon 2056 is replaced by threonine, an amino acid with similar properties. This amino acid position is conserved. In addition, the in silico prediction for this alteration is inconclusive. Since supporting evidence is limited at this time, the clinical significance of this alteration remains unclear.

NM_017617.5(NOTCH1):c.6167T>C (p.Met2056Thr)

Genes: NOTCH1 (notch receptor 1; minus strand), LOC126860794 (BRD4-independent group 4 enhancer GRCh37_chr9:139392592-139393791; plus strand). Cytogenetic location: 9q34.3.
Variant type: single nucleotide variant.
Coding change: c.6167T>C on transcript NM_017617.5 (MANE Select); coding-DNA position 6167, T replaced by C.
Protein change: p.Met2056Thr; replaces methionine 2056 with threonine.
Molecular consequence: missense variant.
Genome position (GRCh38, 1-based): chr9:136,498,912, A>G on the plus strand (T>C on the coding strand, the complement: NOTCH1 is on the minus strand). VCF-style: chr9-136498912-A-G. GRCh37 (hg19) VCF-style: chr9-139393364-A-G.
Other names: short protein forms M2056T.
Identifiers: ClinVar variation 2452173 (VCV002452173.3), dbSNP rs1233090768, ClinGen allele CA375633728.
Genomic context (GRCh38, chr9:136,498,912, plus strand): 5'-TGGATTCAGCCCTCACGTCTCCCCTGGCATCCCAGCCTCGCGCTCACCCTGTTGTTCTGC[A>G]TATCTTTGTTAGCCCCGTTCTTCAGGAGCACAACTGCGGCATCCACATTGTTCACGGCGG-3'
Protein context (NP_060087.3, residues 2046-2066): VLLKNGANKD[Met2056Thr]QNNREETPLF